The following is an entry in ClinVar:

ClinVar aggregate classification (germline): Conflicting classifications of pathogenicity. Review status: criteria provided, conflicting classifications (1 of 4 stars). 6 submissions from 6 submitters: Likely pathogenic (5); Uncertain significance (1). Last evaluated 2025-06-01.

Conditions:
Fanconi anemia (FA). Also called: Fanconi's anemia. Identifiers: Orphanet 84, MedGen C0015625, MeSH D005199, MONDO:0019391.
Fanconi anemia complementation group I (FANCI). Also called: FANCI-Related Fanconi Anemia. Identifiers: Orphanet 84, MedGen C1836861, MONDO:0012186, OMIM 609053.

Allele frequency attached by ClinVar (database versions not stated): TOPMed below 0.00001.

Submissions (6):

CeGaT Center for Human Genetics Tuebingen
Classification: Likely pathogenic. Last evaluated: 2025-06-01. Review status: criteria provided, single submitter. Criteria: CeGaT Center For Human Genetics Tuebingen Variant Classification Criteria Version 2. Collection method: clinical testing. Allele origin: germline. Affected: yes. Observed: 1 variant allele.
Comment: FANCI: PVS1:Strong, PM2

Women's Health and Genetics/Laboratory Corporation of America, LabCorp
Classification: Likely pathogenic for Fanconi anemia. Last evaluated: 2025-04-09. Review status: criteria provided, single submitter. Criteria: LabCorp Variant Classification Summary - May 2015. Collection method: clinical testing. Allele origin: germline.
Comment: Variant summary: FANCI c.3007-1G>C is located in a canonical splice-site and is predicted to affect mRNA splicing resulting in a significantly altered protein due to either exon skipping, shortening, or inclusion of intronic material. Variants that disrupt the consensus splice site are a relatively common cause of aberrant splicing and loss of FANCI function. Several computational tools predict a significant impact on normal splicing: One predict the variant abolishes a 3' acceptor site. Two predict the variant creates a 3' acceptor site. Two predict the variant strengthens a cryptic 3' acceptor site. However, these predictions have yet to be confirmed by functional studies. The variant allele was found at a frequency of 2.4e-05 in 251422 control chromosomes. To our knowledge, no occurrence of c.3007-1G>C in individuals affected with Fanconi Anemia and no experimental evidence demonstrating its impact on protein function have been reported. ClinVar contains an entry for this variant (Variation ID: 2675599). Based on the evidence outlined above, the variant was classified as likely pathogenic.

Baylor Genetics
Classification: Likely pathogenic for Fanconi anemia complementation group I. Last evaluated: 2024-03-19. Review status: criteria provided, single submitter. Criteria: ACMG Guidelines, 2015. Collection method: clinical testing. Allele origin: unknown.

Revvity Omics, Revvity
Classification: Likely pathogenic for Fanconi anemia complementation group I. Last evaluated: 2024-03-14. Review status: criteria provided, single submitter. Criteria: ACMG Guidelines, 2015. Collection method: clinical testing. Allele origin: germline.

Blueprint Genetics
Classification: Uncertain significance. Last evaluated: 2023-05-25. Review status: criteria provided, single submitter. Criteria: ACMG Guidelines, 2015. Collection method: clinical testing. Allele origin: germline.

Labcorp Genetics (formerly Invitae), Labcorp
Classification: Likely pathogenic for Fanconi anemia. Last evaluated: 2022-12-21. Review status: criteria provided, single submitter. Criteria: Invitae Variant Classification Sherloc (09022015). Collection method: clinical testing. Allele origin: germline.
Comment: In summary, the currently available evidence indicates that the variant is pathogenic, but additional data are needed to prove that conclusively. Therefore, this variant has been classified as Likely Pathogenic. Algorithms developed to predict the effect of sequence changes on RNA splicing suggest that this variant may disrupt the consensus splice site. This variant has not been reported in the literature in individuals affected with FANCI-related conditions. This variant is present in population databases (rs117921863, gnomAD 0.02%). This sequence change affects an acceptor splice site in intron 27 of the FANCI gene. It is expected to disrupt RNA splicing. Variants that disrupt the donor or acceptor splice site typically lead to a loss of protein function (PMID: 16199547), and loss-of-function variants in FANCI are known to be pathogenic (PMID: 17452773, 17460694).

Literature cited by the submitters: PubMed 16199547 (cited by Labcorp Genetics (formerly Invitae), Labcorp); PubMed 17452773 (cited by Labcorp Genetics (formerly Invitae), Labcorp); PubMed 17460694 (cited by Labcorp Genetics (formerly Invitae), Labcorp).

NM_001113378.2(FANCI):c.3007-1G>C

Gene: FANCI (FA complementation group I; plus strand). Cytogenetic location: 15q26.1.
Variant type: single nucleotide variant.
Coding change: c.3007-1G>C on transcript NM_001113378.2 (MANE Select); the canonical splice acceptor site of the intron before coding-DNA position 3007, G replaced by C.
Molecular consequence: splice acceptor variant.
Genome position (GRCh38, 1-based): chr15:89,303,863, G>C. VCF-style: chr15-89303863-G-C. GRCh37 (hg19) VCF-style: chr15-89847094-G-C.
Other names: c.2827-1G>C (NM_018193.3); c.3007-1G>C (NM_001376911.1, NM_001113378.1); c.2728-1G>C (NM_001376910.1).
Identifiers: ClinVar variation 2675599 (VCV002675599.17), dbSNP rs117921863, ClinGen allele CA7723558.